The following is an entry in ClinVar:

ClinVar aggregate classification (germline): Uncertain significance (1 of 4 stars; one submission).

Conditions:
Wilson disease (WND). Also called: Wilson's disease. Identifiers: Orphanet 905, MedGen C0019202, MONDO:0010200, OMIM 277900. Disease mechanism: loss of function.

Allele frequency attached by ClinVar (database versions not stated): gnomAD 0.00001; gnomAD exomes 0.00001; TOPMed 0.00001.
gnomAD v4.1: 5 of 1,614,046 alleles (0.00031%); highest among the groups gnomAD compares: Non-Finnish European, 0.00034%; no homozygotes.

Submission:

All of Us Research Program, National Institutes of Health
Classification: Uncertain significance for Wilson disease. Last evaluated: 2023-07-19. Review status: criteria provided, single submitter. Criteria: ACMG Guidelines, 2015. Collection method: clinical testing. Allele origin: germline. Inheritance: Autosomal recessive inheritance. Observed: 1 variant allele, 1 heterozygote.
Comment: This missense variant replaces methionine with isoleucine at codon 851 of the ATP7B protein. Computational prediction is inconclusive regarding the impact of this variant on protein structure and function (internally defined REVEL score threshold 0.5 < inconclusive < 0.7, PMID: 27666373). To our knowledge, functional studies have not been reported for this variant. This variant has not been reported in individuals affected with ATP7B-related disorders in the literature. This variant has been identified in 3/280938 chromosomes in the general population by the Genome Aggregation Database (gnomAD). The available evidence is insufficient to determine the role of this variant in disease conclusively. Therefore, this variant is classified as a Variant of Uncertain Significance.

This study involves interpretation of variants in research participants for the purpose of population health screening. Participant phenotype was not available at the time of variant classification. Additional details can be found in publication PMID: 35346344, PMCID: PMC8962531

NM_000053.4(ATP7B):c.2553G>C (p.Met851Ile)

Gene: ATP7B (ATPase copper transporting beta; minus strand). Cytogenetic location: 13q14.3.
Variant type: single nucleotide variant.
Coding change: c.2553G>C on transcript NM_000053.4 (MANE Select); coding-DNA position 2553, G replaced by C.
Protein change: p.Met851Ile; replaces methionine 851 with isoleucine.
Molecular consequence: missense variant. On other transcripts: intron variant (1).
Genome position (GRCh38, 1-based): chr13:51,950,294, C>G on the plus strand (G>C on the coding strand, the complement: ATP7B is on the minus strand). VCF-style: chr13-51950294-C-G. GRCh37 (hg19) VCF-style: chr13-52524430-C-G.
Other names: c.2067G>C, p.Met689Ile (NM_001005918.3, NM_001406546.1, NM_001406541.1 and 1 more transcripts); c.2220G>C, p.Met740Ile (NM_001243182.2); c.2319G>C, p.Met773Ile (NM_001330578.2, NM_001406527.1, NM_001406528.1 and 2 more transcripts); c.2301G>C, p.Met767Ile (NM_001330579.2, NM_001406531.1, NM_001406532.1 and 1 more transcripts); c.2553G>C, p.Met851Ile (NM_001406511.1, NM_001406512.1, NM_001406513.1 and 7 more transcripts); c.2520G>C, p.Met840Ile (NM_001406514.1); c.2457G>C, p.Met819Ile (NM_001406517.1, NM_001406518.1); c.2409G>C, p.Met803Ile (NM_001406520.1, NM_001406521.1, NM_001406522.1 and 1 more transcripts); and 8 more; short protein forms M635I, M657I, M689I, M708I, M735I, M740I, M741I, M767I.
Identifiers: ClinVar variation 3072456 (VCV003072456.1), dbSNP rs1341356566, ClinGen allele CA388015922.